The following is an entry in ClinVar:

NM_001008537.3(NEXMIF):c.1984G>A (p.Ala662Thr)

Gene: NEXMIF (neurite extension and migration factor; minus strand). Cytogenetic location: Xq13.3.
Variant type: single nucleotide variant.
Coding change: c.1984G>A on transcript NM_001008537.3 (MANE Select); coding-DNA position 1984, G replaced by A.
Protein change: p.Ala662Thr; replaces alanine 662 with threonine.
Molecular consequence: missense variant.
Genome position (GRCh38, 1-based): chrX:74,742,573, C>T on the plus strand (G>A on the coding strand, the complement: NEXMIF is on the minus strand). VCF-style: chrX-74742573-C-T. GRCh37 (hg19) VCF-style: chrX-73962408-C-T.
Other names: short protein forms A662T.
Identifiers: ClinVar variation 1954887 (VCV001954887.5), dbSNP rs761344644, ClinGen allele CA10455084.

ClinVar aggregate classification (germline): Uncertain significance (1 of 4 stars; one submission).

Allele frequency attached by ClinVar (database versions not stated): ExAC 0.00001.

Submission:

Labcorp Genetics (formerly Invitae), Labcorp
Classification: Uncertain significance. Last evaluated: 2023-12-11. Review status: criteria provided, single submitter. Criteria: Invitae Variant Classification Sherloc (09022015). Collection method: clinical testing. Allele origin: germline.
Comment: This sequence change replaces alanine, which is neutral and non-polar, with threonine, which is neutral and polar, at codon 662 of the NEXMIF protein (p.Ala662Thr). This variant is present in population databases (rs761344644, gnomAD 0.004%), including at least one homozygous and/or hemizygous individual. This variant has not been reported in the literature in individuals affected with NEXMIF-related conditions. ClinVar contains an entry for this variant (Variation ID: 1954887). Algorithms developed to predict the effect of missense changes on protein structure and function output the following: SIFT: "Not Available"; PolyPhen-2: "Benign"; Align-GVGD: "Not Available". The threonine amino acid residue is found in multiple mammalian species, which suggests that this missense change does not adversely affect protein function. In summary, the available evidence is currently insufficient to determine the role of this variant in disease. Therefore, it has been classified as a Variant of Uncertain Significance.